The following is an entry in ClinVar:

ClinVar aggregate classification (germline): Uncertain significance (1 of 4 stars; one submission).

Submission:

Greenwood Genetic Center Diagnostic Laboratories, Greenwood Genetic Center
Classification: Uncertain significance. Last evaluated: 2024-03-19. Review status: criteria provided, single submitter. Criteria: ACMG Guidelines, 2015. Collection method: clinical testing. Allele origin: germline. Affected: yes.
Comment: PM2

NM_001356.5(DDX3X):c.1294C>T (p.Leu432Phe)

Gene: DDX3X (DEAD-box helicase 3 X-linked; plus strand). Cytogenetic location: Xp11.4.
Variant type: single nucleotide variant.
Coding change: c.1294C>T on transcript NM_001356.5 (MANE Select); coding-DNA position 1294, C replaced by T.
Protein change: p.Leu432Phe; replaces leucine 432 with phenylalanine.
Molecular consequence: missense variant. On other transcripts: non-coding transcript variant (1).
Genome position (GRCh38, 1-based): chrX:41,345,527, C>T. VCF-style: chrX-41345527-C-T. GRCh37 (hg19) VCF-style: chrX-41204780-C-T.
Other names: c.1294C>T, p.Leu432Phe (NM_001193416.3); c.1246C>T, p.Leu416Phe (NM_001193417.3); c.736C>T, p.Leu246Phe (NM_001363819.1); short protein forms L246F, L416F, L432F.
Identifiers: ClinVar variation 3235802 (VCV003235802.1), dbSNP rs2519519661, ClinGen allele CA412773635.